The following is an entry in ClinVar:

ClinVar aggregate classification (germline): Uncertain significance (1 of 4 stars; one submission).

Conditions:
Inborn genetic diseases. Identifiers: MedGen C0950123, MeSH D030342.

Allele frequency attached by ClinVar (database versions not stated): TOPMed below 0.00001.

Submission:

Ambry Genetics
Classification: Uncertain significance for Inborn genetic diseases. Last evaluated: 2024-11-24. Review status: criteria provided, single submitter. Criteria: Ambry Variant Classification Scheme 2023. Collection method: clinical testing. Allele origin: germline.
Comment: The p.Q44R variant (also known as c.131A>G), located in coding exon 1 of the SH2B3 gene, results from an A to G substitution at nucleotide position 131. The glutamine at codon 44 is replaced by arginine, an amino acid with highly similar properties. This amino acid position is conserved. In addition, this alteration is predicted to be tolerated by in silico analysis. Based on the available evidence, the clinical significance of this variant remains unclear.

NM_005475.3(SH2B3):c.131A>G (p.Gln44Arg)

Gene: SH2B3 (SH2B adaptor protein 3; plus strand). Cytogenetic location: 12q24.12.
Variant type: single nucleotide variant.
Coding change: c.131A>G on transcript NM_005475.3 (MANE Select); coding-DNA position 131, A replaced by G.
Protein change: p.Gln44Arg; replaces glutamine 44 with arginine.
Molecular consequence: missense variant.
Genome position (GRCh38, 1-based): chr12:111,418,276, A>G. VCF-style: chr12-111418276-A-G. GRCh37 (hg19) VCF-style: chr12-111856080-A-G.
Other names: short protein forms Q44R.
Identifiers: ClinVar variation 2407697 (VCV002407697.3), dbSNP rs1195206241, ClinGen allele CA386717920.